The following is an entry in ClinVar:

ClinVar aggregate classification (germline): Benign. Review status: criteria provided, single submitter (1 of 4 stars). 2 submissions from 2 submitters: Benign (1). 1 of the submissions does not count toward it. Last evaluated 2026-07-01.

Conditions:
MAPK8IP3-related disorder. Also called: MAPK8IP3-related condition.

Allele frequency attached by ClinVar (database versions not stated): 1000 Genomes Project 0.00220; 1000 Genomes Project 30x 0.00234; ESP Exome Variant Server 0.00391; ExAC 0.01842.
gnomAD v4.1: 11,098 of 1,586,738 alleles (0.7%); highest among the groups gnomAD compares: Non-Finnish European, 0.87%; 61 homozygotes.

Submissions (2):

CeGaT Center for Human Genetics Tuebingen
Classification: Benign. Last evaluated: 2026-07-01. Review status: criteria provided, single submitter. Criteria: CeGaT Center For Human Genetics Tuebingen Variant Classification Criteria Version 2. Collection method: clinical testing. Allele origin: germline. Affected: yes. Observed: 57 variant alleles.
Comment: MAPK8IP3: BP4, BP7, BS1, BS2

PreventionGenetics, part of Exact Sciences
Classification: Benign for MAPK8IP3-related condition. Last evaluated: 2019-10-30. Review status: no assertion criteria provided. Collection method: clinical testing. Allele origin: germline. Not counted in ClinVar's aggregate classification.
Comment: This variant is classified as benign based on ACMG/AMP sequence variant interpretation guidelines (Richards et al. 2015 PMID: 25741868, with internal and published modifications).

NM_001318852.2(MAPK8IP3):c.9G>A (p.Glu3=)

Gene: MAPK8IP3 (mitogen-activated protein kinase 8 interacting protein 3; plus strand). Cytogenetic location: 16p13.3.
Variant type: single nucleotide variant.
Coding change: c.9G>A on transcript NM_001318852.2 (MANE Select); coding-DNA position 9, G replaced by A.
Protein change: p.Glu3=; no amino-acid change (glutamic acid 3 retained).
Molecular consequence: synonymous variant.
Genome position (GRCh38, 1-based): chr16:1,706,348, G>A. VCF-style: chr16-1706348-G-A. GRCh37 (hg19) VCF-style: chr16-1756349-G-A.
Other names: c.9G>A (NM_001318852.1); c.9G>A, p.Glu3= (NM_001040439.2, NM_015133.5).
Identifiers: ClinVar variation 1675598 (VCV001675598.33), dbSNP rs139282045, ClinGen allele CA7816207.
Genomic context (GRCh38, chr16:1,706,348, plus strand): 5'-GCCGGGCGCGCCGGCCGGATAGCGAGCCGCGCTGGCGGCGGCGGTGGCCGCGATGATGGA[G>A]ATCCAGATGGACGAGGGCGGCGGCGTGGTGGTGTACCAGGACGACTACTGCTCCGGCTCG-3'
Protein context (NP_001305781.1, residues 1-13): MM[Glu3=]IQMDEGGGVV